The following is an entry in ClinVar:

ClinVar aggregate classification (germline): Uncertain significance. Review status: criteria provided, multiple submitters, no conflicts (2 of 4 stars). 3 submissions from 3 submitters: Uncertain significance (3). Last evaluated 2023-10-11.

Conditions:
PKD1-related disorder. Also called: PKD1-related condition.
Polycystic kidney disease, adult type (PKD1). Also called: POLYCYSTIC KIDNEY DISEASE 1 WITH OR WITHOUT POLYCYSTIC LIVER DISEASE; Polycystic Kidney, Autosomal Dominant; POLYCYSTIC KIDNEY DISEASE, ADULT, TYPE I; Polycystic Kidney Disease 1, Autosomal Dominant; Polycystic kidney disease 1; Polycystic kidney disease 1, severe. Identifiers: MedGen C3149841, MONDO:0008263, OMIM 173900.

Allele frequency attached by ClinVar (database versions not stated): gnomAD 0.00005 and 0.00009; TOPMed 0.00010; gnomAD exomes 0.00012 and 0.00016; ExAC 0.00015.
gnomAD v4.1: 240 of 1,577,832 alleles (0.015%); highest among the groups gnomAD compares: Non-Finnish European, 0.019%; 1 homozygote.

Submissions (3):

PreventionGenetics, part of Exact Sciences
Classification: Uncertain significance for PKD1-related condition. Last evaluated: 2023-10-11. Review status: criteria provided, single submitter. Criteria: ACMG Guidelines, 2015. Collection method: clinical testing. Allele origin: germline.
Comment: The PKD1 c.997G>A variant is predicted to result in the amino acid substitution p.Val333Met. This variant was reported in an individual with polycystic kidney disease (Neumann et al. 2013. PubMed ID: 23300259). This variant is reported in 0.021% of alleles in individuals of European (Non-Finnish) descent in gnomAD with one homozygote documented. Of note, at this position in mouse is a methionine (Met). Although we suspect this variant may be benign, the clinical significance of this variant is uncertain due to the absence of conclusive functional and genetic evidence.

Victorian Clinical Genetics Services, Murdoch Childrens Research Institute
Classification: Uncertain significance for Polycystic kidney disease, adult type. Last evaluated: 2021-05-06. Review status: criteria provided, single submitter. Criteria: ACMG Guidelines, 2015. Collection method: clinical testing. Allele origin: germline. Inheritance: Autosomal dominant inheritance. Affected: yes.
Comment: Based on the classification scheme VCGS_Germline_v1.3.4, this variant is classified as VUS-3C. Following criteria are met: 0102 - Loss of function is a known mechanism of disease in this gene and is associated with polycystic kidney disease (MIM#173900). (I) 0107 - This gene is associated with autosomal dominant disease, with rare reports of biallelic variants causing disease (OMIM). (I) 0200 - Variant is predicted to result in a missense amino acid change from valine to methionine. (I) 0251 - This variant is heterozygous. (I) 0302 - Variant is present in gnomAD (v2) <0.001 for a dominant condition (19 heterozygotes, 1 homozygote). (I) 0504 - Same amino acid change has been observed in placental mammals. (SB) 0600 - Variant is located in the annotated PKD domain (Pfam). (I) 0705 - No comparable missense variants have previous evidence for pathogenicity. (I) 0809 - Previous evidence of pathogenicity for this variant is inconclusive. This variant has been described as a VUS in the ClinVar database, and has been reported in one individual with ADPKD in a large cohort study (PMID: 23300259). (I) 0905 - No published segregation evidence has been identified for this variant. (I) 1007 - No published functional evidence has been identified for this variant. (I) 1208 - Inheritance information for this variant is not currently available in this individual. (I) Legend: (SP) - Supporting pathogenic, (I) - Information, (SB) - Supporting benign

Athena Diagnostics
Classification: Uncertain significance. Last evaluated: 2016-09-28. Review status: criteria provided, single submitter. Criteria: Athena Diagnostics Criteria. Collection method: clinical testing. Allele origin: germline.

Literature cited by the submitters: PubMed 23300259 (cited by Victorian Clinical Genetics Services, Murdoch Childrens Research Institute and Athena Diagnostics).

NM_001009944.3(PKD1):c.997G>A (p.Val333Met)

Gene: PKD1 (polycystin 1, transient receptor potential channel interacting; minus strand). Cytogenetic location: 16p13.3.
Variant type: single nucleotide variant.
Coding change: c.997G>A on transcript NM_001009944.3 (MANE Select); coding-DNA position 997, G replaced by A.
Protein change: p.Val333Met; replaces valine 333 with methionine.
Molecular consequence: missense variant.
Genome position (GRCh38, 1-based): chr16:2,117,995, C>T on the plus strand (G>A on the coding strand, the complement: PKD1 is on the minus strand). VCF-style: chr16-2117995-C-T. GRCh37 (hg19) VCF-style: chr16-2167996-C-T.
Other names: c.997G>A, p.Val333Met (NM_000296.4); short protein forms V333M.
Identifiers: ClinVar variation 448030 (VCV000448030.3), dbSNP rs772316684, ClinGen allele CA7833606.